The following is an entry in ClinVar:

NM_015922.3(NSDHL):c.834C>T (p.Phe278=)

Gene: NSDHL (NAD(P) dependent 3-beta-hydroxysteroid dehydrogenase NSDHL; plus strand). Cytogenetic location: Xq28.
Variant type: single nucleotide variant.
Coding change: c.834C>T on transcript NM_015922.3 (MANE Select); coding-DNA position 834, C replaced by T.
Protein change: p.Phe278=; no amino-acid change (phenylalanine 278 retained).
Molecular consequence: synonymous variant.
Genome position (GRCh38, 1-based): chrX:152,868,828, C>T. VCF-style: chrX-152868828-C-T. GRCh37 (hg19) VCF-style: chrX-152037372-C-T.
Other names: c.834C>T, p.Phe278= (NM_001129765.2).
Identifiers: ClinVar variation 718187 (VCV000718187.11), dbSNP rs149698967, ClinGen allele CA10544857.

ClinVar aggregate classification (germline): Benign/Likely benign. Review status: criteria provided, multiple submitters, no conflicts (2 of 4 stars). 3 submissions from 3 submitters: Benign (1); Likely benign (1). 1 of the submissions does not count toward it. Last evaluated 2026-01-01.

Conditions:
NSDHL-related disorder. Also called: NSDHL-Related Disorders; NSDHL-related condition. Identifiers: MedGen CN381535.
CK syndrome. Also called: MENTAL RETARDATION, X-LINKED, WITH THIN BODY HABITUS AND CORTICAL MALFORMATION. Identifiers: Orphanet 251383, MedGen C3151781, MONDO:0010441, OMIM 300831.
Child syndrome. Also called: CHILD (Congenital Hemidysplasia with Ichthyosiform Nevus and Limb Defects) Syndrome. Identifiers: Orphanet 139, MedGen C0265267, MONDO:0010621, OMIM 308050.

Allele frequency attached by ClinVar (database versions not stated): gnomAD exomes 0.00022; ExAC 0.00025; gnomAD 0.00057; TOPMed 0.00065; ESP Exome Variant Server 0.00066.
gnomAD v4.1: 199 of 1,210,046 alleles (0.016%); highest among the groups gnomAD compares: African/African-American, 0.26%; 2 homozygotes.

Submissions (3):

Labcorp Genetics (formerly Invitae), Labcorp
Classification: Benign. Last evaluated: 2026-01-01. Review status: criteria provided, single submitter. Criteria: Invitae Variant Classification Sherloc (09022015). Collection method: clinical testing. Allele origin: germline.

Fulgent Genetics
Classification: Likely benign for CK syndrome; Child syndrome. Last evaluated: 2021-10-04. Review status: criteria provided, single submitter. Criteria: ACMG Guidelines, 2015. Collection method: clinical testing. Allele origin: unknown.

PreventionGenetics, part of Exact Sciences
Classification: Likely benign for NSDHL-related condition. Last evaluated: 2024-06-26. Review status: no assertion criteria provided. Collection method: clinical testing. Allele origin: germline. Not counted in ClinVar's aggregate classification.
Comment: This variant is classified as likely benign based on ACMG/AMP sequence variant interpretation guidelines (Richards et al. 2015 PMID: 25741868, with internal and published modifications).